The following is an entry in ClinVar:

NM_001134407.3(GRIN2A):c.4065G>C (p.Lys1355Asn)

Gene: GRIN2A (glutamate ionotropic receptor NMDA type subunit 2A; minus strand). Cytogenetic location: 16p13.2.
Variant type: single nucleotide variant.
Coding change: c.4065G>C on transcript NM_001134407.3 (MANE Select); coding-DNA position 4065, G replaced by C.
Protein change: p.Lys1355Asn; replaces lysine 1355 with asparagine.
Molecular consequence: missense variant. On other transcripts: intron variant (1).
Genome position (GRCh38, 1-based): chr16:9,763,479, C>G on the plus strand (G>C on the coding strand, the complement: GRIN2A is on the minus strand). VCF-style: chr16-9763479-C-G. GRCh37 (hg19) VCF-style: chr16-9857336-C-G.
Other names: p.K1355N:AAG>AAC; c.4065G>C, p.Lys1355Asn (NM_000833.5); c.3773-51G>C (NM_001134408.2); short protein forms K1355N.
Identifiers: ClinVar variation 205682 (VCV000205682.2), dbSNP rs796052559, ClinGen allele CA314996.

ClinVar aggregate classification (germline): Uncertain significance (1 of 4 stars; one submission).

Allele frequency attached by ClinVar (database versions not stated): gnomAD 0.00001.
gnomAD v4.1: 1 of 1,613,922 alleles (0.000062%); highest among the groups gnomAD compares: African/African-American, 0.0013%; no homozygotes.

Submission:

GeneDx
Classification: Uncertain significance. Last evaluated: 2015-06-25. Review status: criteria provided, single submitter. Criteria: GeneDx Variant Classification (06012015). Collection method: clinical testing. Allele origin: germline. Affected: yes.
Comment: p.Lys1355Asn (AAG>AAC): c.4065 G>C in exon 14 in the GRIN2A gene (NM_000833.3). The K1355N variant in the GRIN2A gene has not been published as a mutation, nor has it been reported as a benign polymorphism to our knowledge. The K1355N variant was not observed in approximately 6500 individuals of European and African American ancestry in the NHLBI Exome Sequencing Project, indicating it is not a common benign variant in these populations. The K1355N variant is a semi-conservative amino acid substitution, which may impact secondary protein structure as these residues differ in some properties. This substitution occurs at a position that is moderately conserved across species. In silico analysis is inconsistent in its predictions as to whether or not the variant is damaging to the protein structure/function. The variant is found in GRIN2A panel(s).